The following is an entry in ClinVar:

NM_016333.4(SRRM2):c.4902A>T (p.Arg1634Ser)

Gene: SRRM2 (serine/arginine repetitive matrix 2; plus strand). Cytogenetic location: 16p13.3.
Variant type: single nucleotide variant.
Coding change: c.4902A>T on transcript NM_016333.4 (MANE Select); coding-DNA position 4902, A replaced by T.
Protein change: p.Arg1634Ser; replaces arginine 1634 with serine.
Molecular consequence: missense variant.
Genome position (GRCh38, 1-based): chr16:2,765,430, A>T. VCF-style: chr16-2765430-A-T. GRCh37 (hg19) VCF-style: chr16-2815431-A-T.
Other names: short protein forms R1634S.
Identifiers: ClinVar variation 4883239 (VCV004883239.2).
Genomic context (GRCh38, chr16:2,765,430, plus strand): 5'-ACAGAGTGGTTCTGATTCCTCTCCTGAACCTAAAGCTCCAGCCCCTCGGGCCCTTCCCAG[A>T]CGAAGCAGATCAGGTTCATCAAGCAAAGGCAGAGGCCCTTCTCCTGAAGGAAGCAGCAGT-3'
Protein context (NP_057417.3, residues 1624-1644): PKAPAPRALP[Arg1634Ser]RSRSGSSSKG

ClinVar aggregate classification (germline): Uncertain significance (1 of 4 stars; one submission).

Submission:

Dasa
Classification: Uncertain significance. Last evaluated: 2025-01-28. Review status: criteria provided, single submitter. Criteria: DASA Assertion Criteria. Collection method: clinical testing. Allele origin: germline.
Comment: NM_016333.4(SRRM2):c.4902A>T (p.Arg1634Ser) is a missense variant that results in the substitution of arginine with serine. This variant is absent from population databases. Computational prediction algorithms are consistent with a benign effect. The currently available literature and clinical evidence are not sufficient to establish a definitive association between this variant and the reported condition. Therefore, this variant is classified as a variant of uncertain significance.